The following is an entry in ClinVar:

NM_000156.6(GAMT):c.481A>T (p.Lys161Ter)

Gene: GAMT (guanidinoacetate N-methyltransferase; minus strand). Cytogenetic location: 19p13.3.
Variant type: single nucleotide variant.
Coding change: c.481A>T on transcript NM_000156.6 (MANE Select); coding-DNA position 481, A replaced by T.
Protein change: p.Lys161Ter; replaces lysine 161 with a stop codon.
Molecular consequence: nonsense.
Genome position (GRCh38, 1-based): chr19:1,399,005, T>A on the plus strand (A>T on the coding strand, the complement: GAMT is on the minus strand). VCF-style: chr19-1399005-T-A. GRCh37 (hg19) VCF-style: chr19-1399004-T-A.
Other names: NM_000156.6(GAMT):c.481A>T; p.Lys161Ter; c.481A>T, p.Lys161Ter (NM_138924.3); short protein forms K161*.
Identifiers: ClinVar variation 392462 (VCV000392462.18), dbSNP rs1057524499, ClinGen allele CA16608969.

ClinVar aggregate classification (germline): Likely pathogenic. Review status: reviewed by expert panel (3 of 4 stars). 5 submissions from 5 submitters: Likely pathogenic (1). 4 of the submissions do not count toward it. Last evaluated 2025-10-07.

Conditions:
Cerebral creatine deficiency syndrome. Also called: Creatine deficiency syndromes. Identifiers: Orphanet 79172, MedGen C5244016, MONDO:0000456.
Deficiency of guanidinoacetate methyltransferase (CCDS2). Also called: Guanidinoacetate Methyltransferase (GAMT) Deficiency; GAMT DEFICIENCY; CEREBRAL CREATINE DEFICIENCY SYNDROME 2. Identifiers: Orphanet 382, MedGen C0574080, MONDO:0012999, OMIM 612736.

Allele frequency attached by ClinVar (database versions not stated): gnomAD exomes below 0.00001; TOPMed 0.00002; gnomAD 0.00003.
gnomAD v4.1: 12 of 1,613,300 alleles (0.00074%); highest among the groups gnomAD compares: African/African-American, 0.0013%; no homozygotes.

Submissions (5):

ClinGen Cerebral Creatine Deficiency Syndromes Variant Curation Expert Panel, ClinGen
Classification: Likely pathogenic for Deficiency of guanidinoacetate methyltransferase. Last evaluated: 2025-10-07. Review status: reviewed by expert panel. Criteria: ClinGen CCDS ACMG Specifications GAMT V2.0.0. Collection method: curation. Allele origin: germline. Inheritance: Autosomal recessive inheritance.
Comment: The NM_000156.6:c.481A>T (p.Lys161Ter) variant in GAMT is a nonsense variant predicted to cause a premature stop codon in biologically relevant exon 5 out of a total of 6 exons. While the variant is in the penultimate exon of GAMT, it is upstream of the region predicted to be missed by nonsense-mediated decay; this is expected to lead to nonsense mediated decay in a gene in which loss-of-function is an established disease mechanism (PVS1). The highest population minor allele frequency in gnomAD v4.1.0. is 0.00001335 (1/74906 alleles) in the African/African American population, which is lower than the ClinGen CCDS VCEP’s threshold for PM2_Supporting (<0.0004), meeting this criterion (PM2_Supporting). There is a ClinVar entry for this variant (Variation ID: 392462). To our knowledge, this variant has not been reported in an individual with GAMT deficiency in the published literature. The classification of this variant has been upgraded from Variant of Uncertain Significance to Likely Pathogenic based on the recommendations of the ClinGen Sequence Variant Interpretation Working Group, that a variant meeting PVS1 and PM2_Supporting is classified as Likely Pathogenic. In summary, this variant meets the criteria to be classified as likely pathogenic for GAMT deficiency based on the ACMG/AMP criteria applied, as specified by the ClinGen Cerebral Creatine Deficiency Syndromes Variant Curation Expert Panel (Specifications Version 2.0.0): PVS1, PM2_Supporting. (Classification approved by the ClinGen CCDS VCEP on October 7, 2025)

Labcorp Genetics (formerly Invitae), Labcorp
Classification: Pathogenic for Cerebral creatine deficiency syndrome. Last evaluated: 2025-08-25. Review status: criteria provided, single submitter. Criteria: Invitae Variant Classification Sherloc (09022015). Collection method: clinical testing. Allele origin: germline. Not counted in ClinVar's aggregate classification.
Comment: This sequence change creates a premature translational stop signal (p.Lys161*) in the GAMT gene. It is expected to result in an absent or disrupted protein product. Loss-of-function variants in GAMT are known to be pathogenic (PMID: 15108290). This variant is present in population databases (no rsID available, gnomAD 0.007%). This variant has not been reported in the literature in individuals affected with GAMT-related conditions. ClinVar contains an entry for this variant (Variation ID: 392462). For these reasons, this variant has been classified as Pathogenic.

Fulgent Genetics
Classification: Likely pathogenic for Deficiency of guanidinoacetate methyltransferase. Last evaluated: 2024-06-06. Review status: criteria provided, single submitter. Criteria: ACMG Guidelines, 2015. Collection method: clinical testing. Allele origin: germline. Not counted in ClinVar's aggregate classification.

Broad Center for Mendelian Genomics, Broad Institute of MIT and Harvard
Classification: Likely pathogenic for Cerebral creatine deficiency syndrome. Last evaluated: 2022-09-13. Review status: criteria provided, single submitter. Criteria: ACMG Guidelines, 2015. Collection method: curation. Allele origin: germline. Inheritance: Autosomal recessive inheritance. Not counted in ClinVar's aggregate classification.
Comment: The p.Lys161Ter variant in GAMT has not been previously reported in individuals with cerebral creatine deficiency syndrome but has been identified in 0.002% (2/128668) of European (non-Finnish) chromosomes by the Genome Aggregation Database (gnomAD; dbSNP ID: rs1057524499). Although this variant has been seen in the general population in a heterozygous state, its frequency is low enough to be consistent with a recessive carrier frequency. This variant has also been reported in ClinVar (Variation ID#: 392462) and has been interpreted as likely pathogenic by GeneDx and pathogenic by Invitae. This nonsense variant leads to a premature termination codon at position 161, which is predicted to lead to a truncated or absent protein. Loss of function of the GAMT gene is an established disease mechanism in cerebral creatine deficiency syndrome. In summary, although additional studies are required to fully establish its clinical significance, this variant is likely pathogenic for autosomal recessive cerebral creatine deficiency syndrome. ACMG/AMP Criteria applied: PM2_supporting, PVS1 (Richards 2015).

GeneDx
Classification: Likely pathogenic. Last evaluated: 2022-02-23. Review status: criteria provided, single submitter. Criteria: GeneDx Variant Classification Process June 2021. Collection method: clinical testing. Allele origin: germline. Affected: yes. Not counted in ClinVar's aggregate classification.
Comment: Nonsense variant predicted to result in protein truncation or nonsense-mediated decay in a gene for which loss-of-function is a known mechanism of disease; Not observed at significant frequency in large population cohorts (gnomAD); Has not been previously published as pathogenic or benign to our knowledge

Literature cited by the submitters: PubMed 15108290 (cited by Labcorp Genetics (formerly Invitae), Labcorp).